The following is an entry in ClinVar:

NM_018706.7(DHTKD1):c.2403-3C>A

Gene: DHTKD1 (dehydrogenase E1 and transketolase domain containing 1; plus strand). Cytogenetic location: 10p14.
Variant type: single nucleotide variant.
Coding change: c.2403-3C>A on transcript NM_018706.7 (MANE Select); 3 bases into the intron before coding-DNA position 2403, C replaced by A.
Molecular consequence: intron variant.
Genome position (GRCh38, 1-based): chr10:12,118,746, C>A. VCF-style: chr10-12118746-C-A. GRCh37 (hg19) VCF-style: chr10-12160745-C-A.
Identifiers: ClinVar variation 2763262 (VCV002763262.3), dbSNP rs1833466324, ClinGen allele CA2697558284.

ClinVar aggregate classification (germline): Uncertain significance (1 of 4 stars; one submission).

Conditions:
2-aminoadipic 2-oxoadipic aciduria (AAKAD). Also called: ALPHA-AMINOADIPIC AND ALPHA-KETOADIPIC ACIDURIA; Aminoadipic aciduria. Identifiers: Orphanet 79154, MedGen C1859817, MONDO:0008774, OMIM 204750.

Submission:

Labcorp Genetics (formerly Invitae), Labcorp
Classification: Uncertain significance for 2-aminoadipic 2-oxoadipic aciduria. Last evaluated: 2024-01-09. Review status: criteria provided, single submitter. Criteria: Invitae Variant Classification Sherloc (09022015). Collection method: clinical testing. Allele origin: germline.
Comment: This sequence change falls in intron 14 of the DHTKD1 gene. It does not directly change the encoded amino acid sequence of the DHTKD1 protein. It affects a nucleotide within the consensus splice site. This variant is not present in population databases (gnomAD no frequency). This variant has not been reported in the literature in individuals affected with DHTKD1-related conditions. Variants that disrupt the consensus splice site are a relatively common cause of aberrant splicing (PMID: 17576681, 9536098). Algorithms developed to predict the effect of sequence changes on RNA splicing suggest that this variant is not likely to affect RNA splicing. In summary, the available evidence is currently insufficient to determine the role of this variant in disease. Therefore, it has been classified as a Variant of Uncertain Significance.

Literature cited by the submitters: PubMed 17576681; PubMed 9536098.